The following is an entry in ClinVar:

NM_052876.4(NACC1):c.773C>T (p.Thr258Met)

Gene: NACC1 (nucleus accumbens associated 1; plus strand). Cytogenetic location: 19p13.13.
Variant type: single nucleotide variant.
Coding change: c.773C>T on transcript NM_052876.4 (MANE Select); coding-DNA position 773, C replaced by T.
Protein change: p.Thr258Met; replaces threonine 258 with methionine.
Molecular consequence: missense variant.
Genome position (GRCh38, 1-based): chr19:13,135,980, C>T. VCF-style: chr19-13135980-C-T. GRCh37 (hg19) VCF-style: chr19-13246794-C-T.
Other names: short protein forms T258M.
Identifiers: ClinVar variation 1519325 (VCV001519325.6), dbSNP rs376729373, ClinGen allele CA9238319.

ClinVar aggregate classification (germline): Uncertain significance (1 of 4 stars; one submission).

Allele frequency attached by ClinVar (database versions not stated): gnomAD exomes below 0.00001; ExAC 0.00001; gnomAD 0.00002 and 0.00003; TOPMed 0.00003; ESP Exome Variant Server 0.00008; 1000 Genomes Project 30x 0.00016; 1000 Genomes Project 0.00020.
gnomAD v4.1: 10 of 1,610,110 alleles (0.00062%); highest among the groups gnomAD compares: South Asian, 0.0033%; no homozygotes.

Submission:

Labcorp Genetics (formerly Invitae), Labcorp
Classification: Uncertain significance. Last evaluated: 2022-08-16. Review status: criteria provided, single submitter. Criteria: Invitae Variant Classification Sherloc (09022015). Collection method: clinical testing. Allele origin: germline.
Comment: ClinVar contains an entry for this variant (Variation ID: 1519325). This variant has not been reported in the literature in individuals affected with NACC1-related conditions. The frequency data for this variant in the population databases is considered unreliable, as metrics indicate poor data quality at this position in the gnomAD database. This sequence change replaces threonine, which is neutral and polar, with methionine, which is neutral and non-polar, at codon 258 of the NACC1 protein (p.Thr258Met). Algorithms developed to predict the effect of missense changes on protein structure and function output the following: SIFT: "Tolerated"; PolyPhen-2: "Benign"; Align-GVGD: "Class C0". The methionine amino acid residue is found in multiple mammalian species, which suggests that this missense change does not adversely affect protein function. In summary, the available evidence is currently insufficient to determine the role of this variant in disease. Therefore, it has been classified as a Variant of Uncertain Significance.